The following is an entry in ClinVar:

ClinVar aggregate classification (germline): Likely pathogenic. Review status: reviewed by expert panel (3 of 4 stars). 2 submissions from 2 submitters: Likely pathogenic (1). 1 of the submissions does not count toward it. Last evaluated 2020-06-26.

Conditions:
Phenylketonuria (PKU). Also called: OLIGOPHRENIA PHENYLPYRUVICA; Phenylketonurias; FOLLING DISEASE; Phenylketonuria (PKU). Identifiers: Orphanet 716, MedGen C0031485, MONDO:0009861, OMIM 261600. Disease mechanism: loss of function.

Allele frequency attached by ClinVar (database versions not stated): gnomAD 0.00001.
gnomAD v4.1: 1 of 1,613,948 alleles (0.000062%); highest among the groups gnomAD compares: Non-Finnish European, 0.000085%; no homozygotes.

Submissions (2):

ClinGen PAH Variant Curation Expert Panel
Classification: Likely pathogenic for Phenylketonuria. Last evaluated: 2020-06-26. Review status: reviewed by expert panel. Criteria: ClinGen PAH ACMG Specifications v1. Collection method: curation. Allele origin: germline. Inheritance: Autosomal recessive inheritance.
Comment: The c.875C>T (p.Pro292Leu) variant in PAH has been reported in multiple individuals with mild PKU (BH4 deficiency excluded). (PMID: 26503515, 24705691, 29413232). This variant has extremely low frequency in gnomAD (MAF=0.00006). This variant was detected in trans with pathogenic variants c.913-7A>G (PMID: 26322415) and p.Arg243Gln (PMID: 31178897). Computational evidence support a deleterious effect. In summary, this variant meets criteria to be classified as likely pathogenic for PAH. PAH-specific ACMG/AMP criteria applied: PP4_Moderate, PM2, PM3_strong, PP3.

Biochemistry Laboratory of CDMU, Chengde Medical University
Classification: Pathogenic for Phenylketonuria. Review status: no assertion criteria provided. Criteria: ACMG Guidelines, 2015. Collection method: case-control. Allele origin: inherited. Affected: yes. Not counted in ClinVar's aggregate classification.

Literature cited by the submitters: PubMed 24705691 (cited by ClinGen PAH Variant Curation Expert Panel); PubMed 31178897 (cited by ClinGen PAH Variant Curation Expert Panel); PubMed 29413232 (cited by ClinGen PAH Variant Curation Expert Panel); PubMed 26322415 (cited by ClinGen PAH Variant Curation Expert Panel); PubMed 26503515 (cited by ClinGen PAH Variant Curation Expert Panel).

NM_000277.3(PAH):c.875C>T (p.Pro292Leu)

Genes: PAH (phenylalanine hydroxylase; minus strand), LOC126861615 (CDK7 strongly-dependent group 2 enhancer GRCh37_chr12:103244689-103245888; plus strand). Cytogenetic location: 12q23.2.
Variant type: single nucleotide variant.
Coding change: c.875C>T on transcript NM_000277.3 (MANE Select); coding-DNA position 875, C replaced by T.
Protein change: p.Pro292Leu; replaces proline 292 with leucine.
Molecular consequence: missense variant.
Genome position (GRCh38, 1-based): chr12:102,851,724, G>A on the plus strand (C>T on the coding strand, the complement: PAH is on the minus strand). VCF-style: chr12-102851724-G-A. GRCh37 (hg19) VCF-style: chr12-103245502-G-A.
Other names: c.875C>T, p.Pro292Leu (NM_001354304.2); short protein forms P292L.
Identifiers: ClinVar variation 626282 (VCV000626282.3), dbSNP rs1200240274, ClinGen allele CA16020882.